The following is an entry in ClinVar:

NM_006767.4(LZTR1):c.1807G>T (p.Val603Leu)

Gene: LZTR1 (leucine zipper like post translational regulator 1; plus strand). Cytogenetic location: 22q11.21.
Variant type: single nucleotide variant.
Coding change: c.1807G>T on transcript NM_006767.4 (MANE Select); coding-DNA position 1807, G replaced by T.
Protein change: p.Val603Leu; replaces valine 603 with leucine.
Molecular consequence: missense variant.
Genome position (GRCh38, 1-based): chr22:20,994,891, G>T. VCF-style: chr22-20994891-G-T. GRCh37 (hg19) VCF-style: chr22-21349180-G-T.
Other names: short protein forms V603L.
Identifiers: ClinVar variation 5023776 (VCV005023776.1).
Genomic context (GRCh38, chr22:20,994,891, plus strand): 5'-GCTTGACTCTGCCTGCCTGCCTGTGCCTGTCTGCCCCAGGAGCACTGCCTGAACTTCGTG[G>T]TAAAGGAGTCCCACTTCAACCAGGTGATCATGATGAAGGAGTTCGAGCGCCTCTCCTCTC-3'
Protein context (NP_006758.2, residues 593-613): QLKEHCLNFV[Val603Leu]KESHFNQVIM

ClinVar aggregate classification (germline): Uncertain significance (1 of 4 stars; one submission).

Conditions:
Cardiovascular phenotype. Identifiers: MedGen CN230736.
Hereditary cancer-predisposing syndrome. Also called: Neoplastic Syndromes, Hereditary; Tumor predisposition; Hereditary neoplastic syndrome; Hereditary Cancer Syndrome. Identifiers: Orphanet 140162, MedGen C0027672, MeSH D009386, MONDO:0015356.

Submission:

Ambry Genetics
Classification: Uncertain significance for Cardiovascular phenotype; Hereditary cancer-predisposing syndrome. Last evaluated: 2026-07-22. Review status: criteria provided, single submitter. Criteria: Ambry Variant Classification Scheme 2023. Collection method: clinical testing. Allele origin: germline.
Comment: The p.V603L variant (also known as c.1807G>T), located in coding exon 16 of the LZTR1 gene, results from a G to T substitution at nucleotide position 1807. The valine at codon 603 is replaced by leucine, an amino acid with highly similar properties. This amino acid position is conserved. In addition, the in silico prediction for this alteration is inconclusive. Based on the available evidence, the clinical significance of this variant remains unclear.